The following is an entry in ClinVar:

ClinVar aggregate classification (germline): Benign/Likely benign. Review status: criteria provided, multiple submitters, no conflicts (2 of 4 stars). 5 submissions from 5 submitters: Benign (1); Likely benign (4). Last evaluated 2025-06-09.

Conditions:
Lynch syndrome. Identifiers: Orphanet 144, MedGen C4552100, MONDO:0005835. Disease mechanism: loss of function.
Hereditary cancer-predisposing syndrome. Also called: Tumor predisposition; Hereditary Cancer Syndrome; Hereditary neoplastic syndrome; Neoplastic Syndromes, Hereditary. Identifiers: Orphanet 140162, MedGen C0027672, MeSH D009386, MONDO:0015356.
Hereditary nonpolyposis colorectal neoplasms. Identifiers: MedGen C0009405, MeSH D003123.
Lynch syndrome 5 (LYNCH5). Also called: Colorectal cancer, hereditary nonpolyposis, type 5; Hereditary non-polyposis colorectal cancer, type 5. Identifiers: Orphanet 144, MedGen C1833477, MONDO:0013710, OMIM 614350. Disease mechanism: loss of function.

gnomAD v4.1: 6 of 1,614,126 alleles (0.00037%); highest among the groups gnomAD compares: Non-Finnish European, 0.00051%; no homozygotes.

Submissions (5):

Labcorp Genetics (formerly Invitae), Labcorp
Classification: Likely benign for Hereditary nonpolyposis colorectal neoplasms. Last evaluated: 2025-06-09. Review status: criteria provided, single submitter. Criteria: Invitae Variant Classification Sherloc (09022015). Collection method: clinical testing. Allele origin: germline.

Myriad Genetics, Inc.
Classification: Benign for Lynch syndrome 5. Last evaluated: 2025-01-02. Review status: criteria provided, single submitter. Criteria: Myriad Autosomal Dominant, Autosomal Recessive and X-Linked Classification Criteria (2023). Collection method: clinical testing. Allele origin: unknown.
Comment: This variant is considered benign. This variant is a silent/synonymous amino acid change and it is not expected to impact splicing.

All of Us Research Program, National Institutes of Health
Classification: Likely benign for Lynch syndrome. Last evaluated: 2023-06-26. Review status: criteria provided, single submitter. Criteria: ACMG Guidelines, 2015. Collection method: clinical testing. Allele origin: germline. Inheritance: Autosomal dominant inheritance. Observed: 1 variant allele, 1 heterozygote.
Comment: This study involves interpretation of variants in research participants for the purpose of population health screening. Participant phenotype was not available at the time of variant classification. Additional details can be found in publication PMID: 35346344, PMCID: PMC8962531

Color Diagnostics, LLC DBA Color Health
Classification: Likely benign for Hereditary cancer-predisposing syndrome. Last evaluated: 2023-06-14. Review status: criteria provided, single submitter. Criteria: ACMG Guidelines, 2015. Collection method: clinical testing. Allele origin: germline.

Ambry Genetics
Classification: Likely benign for Hereditary cancer-predisposing syndrome. Last evaluated: 2017-01-31. Review status: criteria provided, single submitter. Criteria: Ambry Variant Classification Scheme 2023. Collection method: clinical testing. Allele origin: germline.

Literature cited by the submitters: PubMed 19924528 (cited by Ambry Genetics).

NM_000179.3(MSH6):c.2775A>C (p.Gly925=)

Gene: MSH6 (mutS homolog 6; plus strand). Cytogenetic location: 2p16.3.
Variant type: single nucleotide variant.
Coding change: c.2775A>C on transcript NM_000179.3 (MANE Select); coding-DNA position 2775, A replaced by C.
Protein change: p.Gly925=; no amino-acid change (glycine 925 retained).
Molecular consequence: synonymous variant.
Genome position (GRCh38, 1-based): chr2:47,800,758, A>C. VCF-style: chr2-47800758-A-C. GRCh37 (hg19) VCF-style: chr2-48027897-A-C.
Other names: c.2385A>C, p.Gly795= (NM_001281492.2); c.1869A>C, p.Gly623= (NM_001281493.2, NM_001281494.2).
Identifiers: ClinVar variation 89317 (VCV000089317.16), dbSNP rs587779248, ClinGen allele CA010876.
Genomic context (GRCh38, chr2:47,800,758, plus strand): 5'-GACTGTAGAATTGAACCGATGGGATACAGCCTTTGACCATGAAAAGGCTCGAAAGACTGG[A>C]CTTATTACTCCCAAAGCAGGCTTTGACTCTGATTATGACCAAGCTCTTGCTGACATAAGA-3'
Protein context (NP_000170.1, residues 915-935): AFDHEKARKT[Gly925=]LITPKAGFDS